The following is an entry in ClinVar:

NM_031885.5(BBS2):c.569_570delinsA (p.Val190fs)

Gene: BBS2 (Bardet-Biedl syndrome 2; minus strand). Cytogenetic location: 16q13.
Variant type: Indel.
Coding change: c.569_570delinsA on transcript NM_031885.5 (MANE Select); coding-DNA positions 569 to 570, TT replaced by A.
Protein change: p.Val190fs; shifts the reading frame from valine 190.
Molecular consequence: frameshift variant. On other transcripts: non-coding transcript variant (5).
Genome position (GRCh38, 1-based): chr16:56,509,999-56,510,000, AA replaced by T on the plus strand (TT replaced by A on the coding strand, the reverse complement: BBS2 is on the minus strand). VCF-style: chr16-56509999-AA-T. GRCh37 (hg19) VCF-style: chr16-56543911-AA-T.
Other names: c.569_570delinsA, p.Val190fs (NM_001377456.1); short protein forms V190fs.
Identifiers: ClinVar variation 5011629 (VCV005011629.1).

ClinVar aggregate classification (germline): Pathogenic (1 of 4 stars; one submission).

Conditions:
BBS2-related ciliopathy. Identifiers: MedGen CN378634, MONDO:1040048.

Submission:

Myriad Genetics, Inc.
Classification: Pathogenic for BBS2-related ciliopathy. Last evaluated: 2023-09-10. Review status: criteria provided, single submitter. Criteria: Myriad Autosomal Dominant, Autosomal Recessive and X-Linked Classification Criteria (2023). Collection method: clinical testing. Allele origin: unknown.
Comment: NM_031885.3(BBS2):c.569_570delTTinsA(V190Dfs*11) is expected to be pathogenic in the context of Bardet-Biedl syndrome, BBS2-related. This variant is predicted to lead to an abnormal or absent protein product due to the creation of a premature termination codon in BBS2, a gene where loss-of-function variants are known to be pathogenic. Please note: this variant was assessed in the context of healthy population screening.